The following is an entry in ClinVar:

ClinVar aggregate classification (germline): Likely benign. Review status: criteria provided, multiple submitters, no conflicts (2 of 4 stars). 2 submissions from 2 submitters: Likely benign (2). Last evaluated 2023-09-12.

Allele frequency attached by ClinVar (database versions not stated): TOPMed below 0.00001; ExAC 0.00003; gnomAD 0.00003; ESP Exome Variant Server 0.00015.
gnomAD v4.1: 22 of 1,614,104 alleles (0.0014%); highest among the groups gnomAD compares: Admixed American, 0.0033%; no homozygotes.

Submissions (2):

Labcorp Genetics (formerly Invitae), Labcorp
Classification: Likely benign. Last evaluated: 2023-09-12. Review status: criteria provided, single submitter. Criteria: Invitae Variant Classification Sherloc (09022015). Collection method: clinical testing. Allele origin: germline.

GeneDx
Classification: Likely benign. Last evaluated: 2017-04-15. Review status: criteria provided, single submitter. Criteria: GeneDx Variant Classification (06012015). Collection method: clinical testing. Allele origin: germline. Affected: yes.
Comment: This variant is considered likely benign or benign based on one or more of the following criteria: it is a conservative change, it occurs at a poorly conserved position in the protein, it is predicted to be benign by multiple in silico algorithms, and/or has population frequency not consistent with disease.

NM_005654.6(NR2F1):c.1149C>T (p.Ser383=)

Gene: NR2F1 (nuclear receptor subfamily 2 group F member 1; plus strand). Cytogenetic location: 5q15.
Variant type: single nucleotide variant.
Coding change: c.1149C>T on transcript NM_005654.6 (MANE Select); coding-DNA position 1149, C replaced by T.
Protein change: p.Ser383=; no amino-acid change (serine 383 retained).
Molecular consequence: synonymous variant.
Genome position (GRCh38, 1-based): chr5:93,593,719, C>T. VCF-style: chr5-93593719-C-T. GRCh37 (hg19) VCF-style: chr5-92929425-C-T.
Identifiers: ClinVar variation 508758 (VCV000508758.4), dbSNP rs144876856, ClinGen allele CA3343247.